The following is an entry in ClinVar:

NM_001354930.2(RIPK1):c.400G>A (p.Val134Met)

Gene: RIPK1 (receptor interacting serine/threonine kinase 1; plus strand). Cytogenetic location: 6p25.2.
Variant type: single nucleotide variant.
Coding change: c.400G>A on transcript NM_001354930.2 (MANE Select); coding-DNA position 400, G replaced by A.
Protein change: p.Val134Met; replaces valine 134 with methionine.
Molecular consequence: missense variant. On other transcripts: 5 prime UTR variant (4), intron variant (1).
Genome position (GRCh38, 1-based): chr6:3,081,057, G>A. VCF-style: chr6-3081057-G-A. GRCh37 (hg19) VCF-style: chr6-3081291-G-A.
Other names: c.-204G>A (NM_001317061.3, NM_001354932.2, NM_001354933.2 and 1 more transcripts); c.400G>A, p.Val134Met (NM_003804.6); c.322-2028G>A (NM_001354931.2); short protein forms V134M.
Identifiers: ClinVar variation 2053296 (VCV002053296.4), dbSNP rs748493593, ClinGen allele CA3618175.

ClinVar aggregate classification (germline): Uncertain significance (1 of 4 stars; one submission).

Allele frequency attached by ClinVar (database versions not stated): gnomAD exomes 0.00001; TOPMed below 0.00001; ExAC 0.00002.
gnomAD v4.1: 15 of 1,614,150 alleles (0.00093%); highest among the groups gnomAD compares: South Asian, 0.0044%; no homozygotes.

Submission:

Labcorp Genetics (formerly Invitae), Labcorp
Classification: Uncertain significance. Last evaluated: 2023-10-24. Review status: criteria provided, single submitter. Criteria: Invitae Variant Classification Sherloc (09022015). Collection method: clinical testing. Allele origin: germline.
Comment: This sequence change replaces valine, which is neutral and non-polar, with methionine, which is neutral and non-polar, at codon 134 of the RIPK1 protein (p.Val134Met). This variant is present in population databases (rs748493593, gnomAD 0.004%). This variant has not been reported in the literature in individuals affected with RIPK1-related conditions. ClinVar contains an entry for this variant (Variation ID: 2053296). An algorithm developed to predict the effect of missense changes on protein structure and function (PolyPhen-2) suggests that this variant is likely to be disruptive. In summary, the available evidence is currently insufficient to determine the role of this variant in disease. Therefore, it has been classified as a Variant of Uncertain Significance.